The following is an entry in ClinVar:

ClinVar aggregate classification (germline): Pathogenic (1 of 4 stars; one submission).

Submission:

Labcorp Genetics (formerly Invitae), Labcorp
Classification: Pathogenic. Last evaluated: 2024-10-02. Review status: criteria provided, single submitter. Criteria: Invitae Variant Classification Sherloc (09022015). Collection method: clinical testing. Allele origin: germline.
Comment: This sequence change creates a premature translational stop signal (p.Lys1740Asnfs*23) in the GREB1L gene. It is expected to result in an absent or disrupted protein product. Loss-of-function variants in GREB1L are known to be pathogenic (PMID: 29100090, 29100091). This variant is not present in population databases (gnomAD no frequency). This variant has not been reported in the literature in individuals affected with GREB1L-related conditions. Algorithms developed to predict the effect of sequence changes on RNA splicing suggest that this variant may disrupt the consensus splice site. For these reasons, this variant has been classified as Pathogenic.

Literature cited by the submitters: PubMed 29100090; PubMed 29100091.

NM_001142966.3(GREB1L):c.5220del (p.Lys1740fs)

Gene: GREB1L (GREB1 like retinoic acid receptor coactivator; plus strand). Cytogenetic location: 18q11.2.
Variant type: Deletion.
Coding change: c.5220del on transcript NM_001142966.3 (MANE Select); coding-DNA position 5220, one base deleted (A; older notation c.5220delA).
Protein change: p.Lys1740fs; shifts the reading frame from lysine 1740.
Molecular consequence: frameshift variant.
Genome position (GRCh38, 1-based): chr18:21,516,703, A deleted; the last of 3 consecutive A bases (chr18:21,516,701-21,516,703); deleting any one gives the same sequence. VCF-style (leftmost placement, unchanged base first): chr18-21516700-GA-G. GRCh37 (hg19) VCF-style: chr18-19096661-GA-G.
Other names: c.5349del, p.Lys1783fs (NM_001410867.1); c.4893del, p.Lys1631fs (NM_001410868.1); short protein forms K1631fs, K1740fs, K1783fs.
Identifiers: ClinVar variation 3722079 (VCV003722079.2).